The following is an entry in ClinVar:

ClinVar aggregate classification (germline): Uncertain significance (1 of 4 stars; one submission).

Submission:

CeGaT Center for Human Genetics Tuebingen
Classification: Uncertain significance. Last evaluated: 2022-05-01. Review status: criteria provided, single submitter. Criteria: CeGaT Center For Human Genetics Tuebingen Variant Classification Criteria Version 2. Collection method: clinical testing. Allele origin: germline. Affected: yes. Observed: 1 variant allele.
Comment: GLI2: PM2, BP4

NM_001374353.1(GLI2):c.3822C>G (p.Asp1274Glu)

Gene: GLI2 (GLI family zinc finger 2; plus strand). Cytogenetic location: 2q14.2.
Variant type: single nucleotide variant.
Coding change: c.3822C>G on transcript NM_001374353.1 (MANE Select); coding-DNA position 3822, C replaced by G.
Protein change: p.Asp1274Glu; replaces aspartic acid 1274 with glutamic acid.
Molecular consequence: missense variant.
Genome position (GRCh38, 1-based): chr2:120,989,787, C>G. VCF-style: chr2-120989787-C-G. GRCh37 (hg19) VCF-style: chr2-121747363-C-G.
Other names: c.3873C>G, p.Asp1291Glu (NM_001371271.1, NM_005270.5); c.3447C>G, p.Asp1149Glu (NM_001374354.1); short protein forms D1149E, D1274E, D1291E.
Identifiers: ClinVar variation 2651320 (VCV002651320.24), dbSNP rs1328711807, ClinGen allele CA348176473.